The following is an entry in ClinVar:

NM_001037.5(SCN1B):c.448+4_448+12del

Gene: SCN1B (sodium voltage-gated channel beta subunit 1; plus strand). Cytogenetic location: 19q13.11.
Variant type: Deletion.
Coding change: c.448+4_448+12del on transcript NM_001037.5 (MANE Select); bases 4 to 12 of the intron after coding-DNA position 448, 9 bases deleted (AGTCGGGTG; older notation c.448+4_448+12delAGTCGGGTG).
Molecular consequence: splice donor variant. On other transcripts: inframe deletion (1).
Genome position (GRCh38, 1-based): chr19:35,033,743-35,033,751, AGTCGGGTG deleted; deleting any 9 consecutive bases within chr19:35,033,739-35,033,751 gives the same sequence; the c. name uses the placement nearest the transcript's 3' end. VCF-style (leftmost placement, unchanged base first): chr19-35033738-AGGTGAGTCG-A. GRCh37 (hg19) VCF-style: chr19-35524642-AGGTGAGTCG-A.
Other names: c.448+4_448+12delAGTCGGGTG (NM_001037.4); c.452_460del, p.Glu151_Gly153del (NM_199037.5); c.349+4_349+12del (NM_001321605.2).
Identifiers: ClinVar variation 504415 (VCV000504415.9), dbSNP rs1322172446, ClinGen allele CA658799178.

ClinVar aggregate classification (germline): Conflicting classifications of pathogenicity. Review status: criteria provided, conflicting classifications (1 of 4 stars). 3 submissions from 3 submitters: Likely pathogenic (1); Uncertain significance (2). Last evaluated 2025-06-05.

Conditions:
Cardiovascular phenotype. Identifiers: MedGen CN230736.
Brugada syndrome 5 (BRGDA5). Identifiers: Orphanet 130, Orphanet 871, MedGen C2748541, MONDO:0013015, OMIM 612838.

Submissions (3):

GeneDx
Classification: Likely pathogenic. Last evaluated: 2025-06-05. Review status: criteria provided, single submitter. Criteria: GeneDx Variant Classification Process June 2021. Collection method: clinical testing. Allele origin: germline. Affected: yes.
Comment: Intronic +5 splice site variant in a gene for which loss-of-function is a known mechanism of disease, and both splice predictors and evolutionary conservation support a deleterious effect, although in the absence of functional evidence the actual effect of this sequence change is unknown.; Not observed at significant frequency in large population cohorts (gnomAD); Has not been previously published as pathogenic or benign to our knowledge

Labcorp Genetics (formerly Invitae), Labcorp
Classification: Uncertain significance for Brugada syndrome 5. Last evaluated: 2023-10-10. Review status: criteria provided, single submitter. Criteria: Invitae Variant Classification Sherloc (09022015). Collection method: clinical testing. Allele origin: germline.
Comment: This variant, c.452_460del, results in the deletion of 3 amino acid(s) of the SCN1B protein (p.Glu151_Gly153del), but otherwise preserves the integrity of the reading frame. This variant is not present in population databases (gnomAD no frequency). This variant has not been reported in the literature in individuals affected with SCN1B-related conditions. ClinVar contains an entry for this variant (Variation ID: 504415). Experimental studies and prediction algorithms are not available or were not evaluated, and the functional significance of this variant is currently unknown. Algorithms developed to predict the effect of sequence changes on RNA splicing suggest that this variant may disrupt the consensus splice site. In summary, the available evidence is currently insufficient to determine the role of this variant in disease. Therefore, it has been classified as a Variant of Uncertain Significance.

Ambry Genetics
Classification: Uncertain significance for Cardiovascular phenotype. Last evaluated: 2019-06-28. Review status: criteria provided, single submitter. Criteria: Ambry Variant Classification Scheme 2023. Collection method: clinical testing. Allele origin: germline.
Comment: The c.448+4_448+12delAGTCGGGTG intronic variant, located in intron 3 of the SCN1B gene, results from a deletion of 9 nucleotides within intron 3 of the SCN1B gene. These nucleotide positions are not well conserved in available vertebrate species. Using the BDGP and ESEfinder splice site prediction tools, this alteration is predicted to weaken the efficiency of the native splice donor site; however, direct evidence is unavailable. Since supporting evidence is limited at this time, the clinical significance of this alteration remains unclear.